The following is an entry in ClinVar:

NM_000059.4(BRCA2):c.3939C>A (p.Tyr1313Ter)

Gene: BRCA2 (BRCA2 DNA repair associated; plus strand). Cytogenetic location: 13q13.1.
Variant type: single nucleotide variant.
Coding change: c.3939C>A on transcript NM_000059.4 (MANE Select); coding-DNA position 3939, C replaced by A.
Protein change: p.Tyr1313Ter; replaces tyrosine 1313 with a stop codon.
Molecular consequence: nonsense.
Genome position (GRCh38, 1-based): chr13:32,338,294, C>A. VCF-style: chr13-32338294-C-A. GRCh37 (hg19) VCF-style: chr13-32912431-C-A.
Other names: short protein forms Y1313*.
Identifiers: ClinVar variation 51569 (VCV000051569.16), dbSNP rs80358641, ClinGen allele CA019241.

ClinVar aggregate classification (germline): Pathogenic. Review status: reviewed by expert panel (3 of 4 stars). 5 submissions from 5 submitters: Pathogenic (1). 4 of the submissions do not count toward it. Last evaluated 2016-09-08.

Conditions:
Hereditary cancer-predisposing syndrome. Also called: Neoplastic Syndromes, Hereditary; Tumor predisposition; Hereditary Cancer Syndrome; Hereditary neoplastic syndrome. Identifiers: Orphanet 140162, MedGen C0027672, MeSH D009386, MONDO:0015356.
Hereditary breast ovarian cancer syndrome. Also called: Hereditary breast and ovarian cancer syndrome; Hereditary breast and ovarian cancer; Hereditary breast and ovarian cancer syndrome (HBOC); Breast and ovarian cancer; Hereditary breast and/or ovarian cancer syndrome; BRCA1- and BRCA2-Associated Hereditary Breast and Ovarian Cancer. Identifiers: Orphanet 145, MedGen C0677776, MeSH D061325, MONDO:0003582. Disease mechanism: loss of function.
Breast-ovarian cancer, familial, susceptibility to, 2 (BROVCA2). Also called: BRCA2 Hereditary Breast and Ovarian Cancer. Identifiers: Orphanet 145, MedGen C2675520, MONDO:0012933, OMIM 612555. Disease mechanism: loss of function.

Submissions (5):

Evidence-based Network for the Interpretation of Germline Mutant Alleles (ENIGMA)
Classification: Pathogenic for Breast-ovarian cancer, familial, susceptibility to, 2. Last evaluated: 2016-09-08. Review status: reviewed by expert panel. Criteria: ENIGMA BRCA1/2 Classification Criteria (2015). Collection method: curation. Allele origin: germline.
Comment: Variant allele predicted to encode a truncated non-functional protein.

Ambry Genetics
Classification: Pathogenic for Hereditary cancer-predisposing syndrome. Last evaluated: 2022-06-14. Review status: criteria provided, single submitter. Criteria: Ambry Variant Classification Scheme 2023. Collection method: clinical testing. Allele origin: germline. Not counted in ClinVar's aggregate classification.
Comment: The p.Y1313* pathogenic mutation (also known as c.3939C>A), located in coding exon 10 of the BRCA2 gene, results from a C to A substitution at nucleotide position 3939. This changes the amino acid from a tyrosine to a stop codon within coding exon 10. This alteration was identified in a large, worldwide study of BRCA1/2 mutation positive families (Rebbeck TR et al. Hum Mutat, 2018 05;39:593-620). In addition to the clinical data presented in the literature, this alteration is expected to result in loss of function by premature protein truncation or nonsense-mediated mRNA decay. As such, this alteration is interpreted as a disease-causing mutation.

Labcorp Genetics (formerly Invitae), Labcorp
Classification: Pathogenic for Hereditary breast ovarian cancer syndrome. Last evaluated: 2019-08-08. Review status: criteria provided, single submitter. Criteria: Invitae Variant Classification Sherloc (09022015). Collection method: clinical testing. Allele origin: germline. Not counted in ClinVar's aggregate classification.
Comment: This sequence change creates a premature translational stop signal (p.Tyr1313*) in the BRCA2 gene. It is expected to result in an absent or disrupted protein product. This variant is not present in population databases (ExAC no frequency). This nonsense change has been observed in individuals with clinical features of hereditary breast and ovarian cancer syndrome (PMID: 29446198, 16168118). ClinVar contains an entry for this variant (Variation ID: 51569). Loss-of-function variants in BRCA2 are known to be pathogenic (PMID: 20104584). For these reasons, this variant has been classified as Pathogenic.

Consortium of Investigators of Modifiers of BRCA1/2 (CIMBA), c/o University of Cambridge
Classification: Pathogenic for Breast-ovarian cancer, familial, susceptibility to, 2. Last evaluated: 2015-10-02. Review status: criteria provided, single submitter. Criteria: CIMBA Mutation Classification guidelines May 2016. Collection method: clinical testing. Allele origin: germline. Not counted in ClinVar's aggregate classification.

Breast Cancer Information Core (BIC) (BRCA2)
Classification: Pathogenic for Breast-ovarian cancer, familial 2. Last evaluated: 2004-02-20. Review status: no assertion criteria provided. Collection method: clinical testing. Allele origin: germline. Affected: yes. Observed: 2 variant alleles. Not counted in ClinVar's aggregate classification.

Literature cited by the submitters: PubMed 29446198 (cited by Ambry Genetics and Labcorp Genetics (formerly Invitae), Labcorp); PubMed 16168118 (cited by Labcorp Genetics (formerly Invitae), Labcorp); PubMed 20104584 (cited by Labcorp Genetics (formerly Invitae), Labcorp).